The following is an entry in ClinVar:

ClinVar aggregate classification (germline): Uncertain significance (1 of 4 stars; one submission).

Submission:

Labcorp Genetics (formerly Invitae), Labcorp
Classification: Uncertain significance. Last evaluated: 2023-10-12. Review status: criteria provided, single submitter. Criteria: Invitae Variant Classification Sherloc (09022015). Collection method: clinical testing. Allele origin: germline.
Comment: This sequence change replaces proline, which is neutral and non-polar, with arginine, which is basic and polar, at codon 227 of the POLE protein (p.Pro227Arg). This variant is not present in population databases (gnomAD no frequency). This variant has not been reported in the literature in individuals affected with POLE-related conditions. ClinVar contains an entry for this variant (Variation ID: 2135771). Advanced modeling of protein sequence and biophysical properties (such as structural, functional, and spatial information, amino acid conservation, physicochemical variation, residue mobility, and thermodynamic stability) performed at Invitae indicates that this missense variant is expected to disrupt POLE protein function. In summary, the available evidence is currently insufficient to determine the role of this variant in disease. Therefore, it has been classified as a Variant of Uncertain Significance.

NM_006231.4(POLE):c.680C>G (p.Pro227Arg)

Gene: POLE (DNA polymerase epsilon, catalytic subunit; minus strand). Cytogenetic location: 12q24.33.
Variant type: single nucleotide variant.
Coding change: c.680C>G on transcript NM_006231.4 (MANE Select); coding-DNA position 680, C replaced by G.
Protein change: p.Pro227Arg; replaces proline 227 with arginine.
Molecular consequence: missense variant.
Genome position (GRCh38, 1-based): chr12:132,677,618, G>C on the plus strand (C>G on the coding strand, the complement: POLE is on the minus strand). VCF-style: chr12-132677618-G-C. GRCh37 (hg19) VCF-style: chr12-133254204-G-C.
Other names: short protein forms P227R.
Identifiers: ClinVar variation 2135771 (VCV002135771.4), dbSNP rs1060500784, ClinGen allele CA387364809.